The following is an entry in ClinVar:

ClinVar aggregate classification (germline): Pathogenic (1 of 4 stars; one submission).

Conditions:
Nephronophthisis. Also called: Juvenile Nephronophthisis. Identifiers: Orphanet 655, MedGen C0687120, MONDO:0019005, HP:0000090.
Jeune thoracic dystrophy. Also called: Jeune syndrome; Infantile thoracic dystrophy; Thoracic pelvic phalangeal dystrophy; Jeune's syndrome; Chondroectodermal dysplasia-like syndrome; Short-rib thoracic dysplasia. Identifiers: Orphanet 474, MedGen C0265275, MONDO:0018770.

Submission:

Labcorp Genetics (formerly Invitae), Labcorp
Classification: Pathogenic for Jeune thoracic dystrophy; Nephronophthisis. Last evaluated: 2024-10-22. Review status: criteria provided, single submitter. Criteria: Invitae Variant Classification Sherloc (09022015). Collection method: clinical testing. Allele origin: germline.
Comment: This sequence change creates a premature translational stop signal (p.Leu423Cysfs*20) in the TTC21B gene. It is expected to result in an absent or disrupted protein product. Loss-of-function variants in TTC21B are known to be pathogenic (PMID: 18327258, 21068128, 21258341, 23559409, 24876116, 25492405, 27491411, 29068549). This variant is not present in population databases (gnomAD no frequency). This variant has not been reported in the literature in individuals affected with TTC21B-related conditions. ClinVar contains an entry for this variant (Variation ID: 1379421). For these reasons, this variant has been classified as Pathogenic.

Literature cited by the submitters: PubMed 18327258; PubMed 21068128; PubMed 21258341; PubMed 23559409; PubMed 24876116; PubMed 25492405; PubMed 27491411; PubMed 29068549.

NM_024753.5(TTC21B):c.1263_1266dup (p.Leu423fs)

Gene: TTC21B (tetratricopeptide repeat domain 21B; minus strand). Cytogenetic location: 2q24.3.
Variant type: Duplication.
Coding change: c.1263_1266dup on transcript NM_024753.5 (MANE Select); coding-DNA positions 1263 to 1266, 4 bases duplicated (TGTC; older notation c.1263_1266dupTGTC).
Protein change: p.Leu423fs; shifts the reading frame from leucine 423.
Molecular consequence: frameshift variant.
Genome position (GRCh38, 1-based): chr2:165,929,255-165,929,258, GACA duplicated on the plus strand (TGTC on the coding strand, the reverse complement: TTC21B is on the minus strand). VCF-style (leftmost placement, unchanged base first): chr2-165929254-G-GGACA. GRCh37 (hg19) VCF-style: chr2-166785764-G-GGACA.
Other names: short protein forms L423fs.
Identifiers: ClinVar variation 1379421 (VCV001379421.6), dbSNP rs2105343139, ClinGen allele CA2573133480.